The following is an entry in ClinVar:

NM_005475.3(SH2B3):c.749T>C (p.Leu250Pro)

Gene: SH2B3 (SH2B adaptor protein 3; plus strand). Cytogenetic location: 12q24.12.
Variant type: single nucleotide variant.
Coding change: c.749T>C on transcript NM_005475.3 (MANE Select); coding-DNA position 749, T replaced by C.
Protein change: p.Leu250Pro; replaces leucine 250 with proline.
Molecular consequence: missense variant.
Genome position (GRCh38, 1-based): chr12:111,446,769, T>C. VCF-style: chr12-111446769-T-C. GRCh37 (hg19) VCF-style: chr12-111884573-T-C.
Other names: c.143T>C, p.Leu48Pro (NM_001291424.1); short protein forms L250P, L48P.
Identifiers: ClinVar variation 3795008 (VCV003795008.1).
Genomic context (GRCh38, chr12:111,446,769, plus strand): 5'-GAGCATCAGGAACAAGCCTTGAGTACCCCAACTTGGTCTCGTAGAGTTCAAGGCCCAAGC[T>C]ACAAGCAGCTTGCTCCAGCATCCAGGAGGTCCGGTGGTGCACACGGCTTGAGATGCCTGA-3'
Protein context (NP_005466.1, residues 240-260): FDPPKSSRPK[Leu250Pro]QAACSSIQEV

ClinVar aggregate classification (germline): Uncertain significance (1 of 4 stars; one submission).

Conditions:
Inborn genetic diseases. Identifiers: MedGen C0950123, MeSH D030342.

Submission:

Ambry Genetics
Classification: Uncertain significance for Inborn genetic diseases. Last evaluated: 2024-12-17. Review status: criteria provided, single submitter. Criteria: Ambry Variant Classification Scheme 2023. Collection method: clinical testing. Allele origin: germline.
Comment: The p.L250P variant (also known as c.749T>C), located in coding exon 2 of the SH2B3 gene, results from a T to C substitution at nucleotide position 749. The leucine at codon 250 is replaced by proline, an amino acid with similar properties. This amino acid position is conserved. In addition, the in silico prediction for this alteration is inconclusive. Based on the available evidence, the clinical significance of this variant remains unclear.